The following is an entry in ClinVar:

ClinVar aggregate classification (germline): Likely pathogenic (1 of 4 stars; one submission).

Conditions:
Ataxia-telangiectasia syndrome (AT). Also called: Ataxia-telangiectasia, complementation group D; AT, COMPLEMENTATION GROUP C; ATAXIA-TELANGIECTASIA, COMPLEMENTATION GROUP A; ATAXIA-TELANGIECTASIA, FRESNO VARIANT; Ataxia-telangiectasia, complementation group E; LOUIS-BAR SYNDROME. Identifiers: Orphanet 100, MedGen C0004135, MONDO:0008840, OMIM 208900.

Submission:

Labcorp Genetics (formerly Invitae), Labcorp
Classification: Likely pathogenic for Ataxia-telangiectasia syndrome. Last evaluated: 2022-09-07. Review status: criteria provided, single submitter. Criteria: Invitae Variant Classification Sherloc (09022015). Collection method: clinical testing. Allele origin: germline.
Comment: In summary, the currently available evidence indicates that the variant is pathogenic, but additional data are needed to prove that conclusively. Therefore, this variant has been classified as Likely Pathogenic. Algorithms developed to predict the effect of sequence changes on RNA splicing suggest that this variant may disrupt the consensus splice site. This variant has not been reported in the literature in individuals affected with ATM-related conditions. This variant is not present in population databases (gnomAD no frequency). This sequence change affects an acceptor splice site in intron 46 of the ATM gene. It is expected to disrupt RNA splicing. Variants that disrupt the donor or acceptor splice site typically lead to a loss of protein function (PMID: 16199547), and loss-of-function variants in ATM are known to be pathogenic (PMID: 23807571, 25614872).

Literature cited by the submitters: PubMed 16199547; PubMed 23807571; PubMed 25614872.

NM_000051.4(ATM):c.6808-2A>G

Genes: ATM (ATM serine/threonine kinase; plus strand), C11orf65 (chromosome 11 open reading frame 65; minus strand). Cytogenetic location: 11q22.3.
Variant type: single nucleotide variant.
Coding change: c.6808-2A>G on transcript NM_000051.4 (MANE Select); the canonical splice acceptor site of the intron before coding-DNA position 6808, A replaced by G.
Molecular consequence: splice acceptor variant. On other transcripts: intron variant (2).
Genome position (GRCh38, 1-based): chr11:108,326,056, A>G. VCF-style: chr11-108326056-A-G. GRCh37 (hg19) VCF-style: chr11-108196783-A-G.
Other names: c.641-16985T>C (NM_001330368.2); c.*38+9164T>C (NM_001351110.2); c.6808-2A>G (NM_001351834.2).
Identifiers: ClinVar variation 2004658 (VCV002004658.4), dbSNP rs2136330823, ClinGen allele CA382556416.
Genomic context (GRCh38, chr11:108,326,056, plus strand): 5'-TTATTCATGGTAGTAGTATCAGTAGTAAAAGTATTTATTCCCATATGTCATTTTCATTTC[A>G]GCTCCCTGAAAGGGCAATATTTCAAATTAAACAGTACAATTCAGTTAGCTGTGGAGTCTC-3'